The following is an entry in ClinVar:

ClinVar aggregate classification (germline): Uncertain significance (1 of 4 stars; one submission).

Conditions:
Inborn genetic diseases. Identifiers: MedGen C0950123, MeSH D030342.

gnomAD v4.1: 3 of 1,609,522 alleles (0.00019%); highest among the groups gnomAD compares: African/African-American, 0.0027%; no homozygotes.

Submission:

Ambry Genetics
Classification: Uncertain significance for Inborn genetic diseases. Last evaluated: 2025-01-23. Review status: criteria provided, single submitter. Criteria: Ambry Variant Classification Scheme 2023. Collection method: clinical testing. Allele origin: germline.
Comment: The p.D2038G variant (also known as c.6113A>G), located in coding exon 23 of the FANCM gene, results from an A to G substitution at nucleotide position 6113. The aspartic acid at codon 2038 is replaced by glycine, an amino acid with similar properties. This amino acid position is conserved. In addition, this alteration is predicted to be tolerated by in silico analysis. Based on the available evidence, the clinical significance of this variant remains unclear.

NM_020937.4(FANCM):c.6113A>G (p.Asp2038Gly)

Gene: FANCM (FA complementation group M; plus strand). Cytogenetic location: 14q21.2.
Variant type: single nucleotide variant.
Coding change: c.6113A>G on transcript NM_020937.4 (MANE Select); coding-DNA position 6113, A replaced by G.
Protein change: p.Asp2038Gly; replaces aspartic acid 2038 with glycine.
Molecular consequence: missense variant.
Genome position (GRCh38, 1-based): chr14:45,199,974, A>G. VCF-style: chr14-45199974-A-G. GRCh37 (hg19) VCF-style: chr14-45669177-A-G.
Other names: c.6035A>G, p.Asp2012Gly (NM_001308133.2); short protein forms D2038G, D2012G.
Identifiers: ClinVar variation 3848650 (VCV003848650.1).